The following is an entry in ClinVar:

NM_001101648.2(NPC1L1):c.928G>T (p.Ala310Ser)

Gene: NPC1L1 (NPC1 like intracellular cholesterol transporter 1; minus strand). Cytogenetic location: 7p13.
Variant type: single nucleotide variant.
Coding change: c.928G>T on transcript NM_001101648.2 (MANE Select); coding-DNA position 928, G replaced by T.
Protein change: p.Ala310Ser; replaces alanine 310 with serine.
Molecular consequence: missense variant.
Genome position (GRCh38, 1-based): chr7:44,539,469, C>A on the plus strand (G>T on the coding strand, the complement: NPC1L1 is on the minus strand). VCF-style: chr7-44539469-C-A. GRCh37 (hg19) VCF-style: chr7-44579068-C-A.
Other names: NC_000007.13:g.44579068C>A; c.928G>T, p.Ala310Ser (NM_001300967.2, NM_013389.3); short protein forms A310S.
Identifiers: ClinVar variation 3055266 (VCV003055266.3), dbSNP rs79803700, ClinGen allele CA4242324.
Genomic context (GRCh38, chr7:44,539,469, plus strand): 5'-TGAGCTTGTCAGAGAGGCTGGTGCCCTTCTTGGGGTCCACCATCTTGCTTTTGTCCCTGG[C>A]GGGGGCCACACGGAATCCCACAAGCAGGATGGTGACCACAGCGAAGACAGAGCAGAGGAT-3'
Protein context (NP_001095118.1, residues 300-320): ILLVGFRVAP[Ala310Ser]RDKSKMVDPK

ClinVar aggregate classification (germline): Benign (0 of 4 stars; one submission).

Conditions:
NPC1L1-related disorder. Also called: NPC1L1-related condition.

Allele frequency attached by ClinVar (database versions not stated): 1000 Genomes Project 0.01498; ESP Exome Variant Server 0.01945.
gnomAD v4.1: 4,070 of 1,613,968 alleles (0.25%); highest among the groups gnomAD compares: African/African-American, 4.8%; 89 homozygotes.

Submissions (7):

PreventionGenetics, part of Exact Sciences
Classification: Benign for NPC1L1-related condition. Last evaluated: 2020-01-21. Review status: no assertion criteria provided. Collection method: clinical testing. Allele origin: germline.
Comment: This variant is classified as benign based on ACMG/AMP sequence variant interpretation guidelines (Richards et al. 2015 PMID: 25741868, with internal and published modifications).

Dr. Peter K. Rogan Lab, Western University
No classification provided (evidence only). Condition: Colon adenocarcinoma. Review status: no classification provided. Collection method: in vitro. Allele origin: not applicable. Functional consequence: retained intron. Not counted in ClinVar's aggregate classification.

Dr. Peter K. Rogan Lab, Western University
No classification provided (evidence only). Condition: Cervical cancer. Review status: no classification provided. Collection method: in vitro. Allele origin: not applicable. Functional consequence: retained intron. Not counted in ClinVar's aggregate classification.

Dr. Peter K. Rogan Lab, Western University
No classification provided (evidence only). Condition: Sarcoma. Review status: no classification provided. Collection method: in vitro. Allele origin: not applicable. Functional consequence: retained intron. Not counted in ClinVar's aggregate classification.

Dr. Peter K. Rogan Lab, Western University
No classification provided (evidence only). Condition: Hepatocellular carcinoma. Review status: no classification provided. Collection method: in vitro. Allele origin: not applicable. Functional consequence: retained intron. Not counted in ClinVar's aggregate classification.

Dr. Peter K. Rogan Lab, Western University
No classification provided (evidence only). Condition: Gastric cancer. Review status: no classification provided. Collection method: in vitro. Allele origin: not applicable. Functional consequence: retained intron. Not counted in ClinVar's aggregate classification.

Dr. Peter K. Rogan Lab, Western University
No classification provided (evidence only). Condition: Gastric cancer. Review status: no classification provided. Collection method: in vitro. Allele origin: not applicable. Functional consequence: retained intron. Not counted in ClinVar's aggregate classification.